The following is an entry in ClinVar:

ClinVar aggregate classification (germline): Uncertain significance (1 of 4 stars; one submission).

Conditions:
LAMA2-related muscular dystrophy (LAMA2-RD). Also called: Laminin alpha 2-related dystrophy. Identifiers: MedGen C5679788, MONDO:0100228.

Submission:

Labcorp Genetics (formerly Invitae), Labcorp
Classification: Uncertain significance for LAMA2-related muscular dystrophy. Last evaluated: 2022-02-28. Review status: criteria provided, single submitter. Criteria: Invitae Variant Classification Sherloc (09022015). Collection method: clinical testing. Allele origin: germline.
Comment: This sequence change replaces tyrosine, which is neutral and polar, with histidine, which is basic and polar, at codon 123 of the LAMA2 protein (p.Tyr123His). This variant is not present in population databases (gnomAD no frequency). This variant has not been reported in the literature in individuals affected with LAMA2-related conditions. Algorithms developed to predict the effect of missense changes on protein structure and function (SIFT, PolyPhen-2, Align-GVGD) all suggest that this variant is likely to be tolerated. In summary, the available evidence is currently insufficient to determine the role of this variant in disease. Therefore, it has been classified as a Variant of Uncertain Significance.

NM_000426.4(LAMA2):c.367T>C (p.Tyr123His)

Gene: LAMA2 (laminin subunit alpha 2; plus strand). Cytogenetic location: 6q22.33.
Variant type: single nucleotide variant.
Coding change: c.367T>C on transcript NM_000426.4 (MANE Select); coding-DNA position 367, T replaced by C.
Protein change: p.Tyr123His; replaces tyrosine 123 with histidine.
Molecular consequence: missense variant.
Genome position (GRCh38, 1-based): chr6:129,059,867, T>C. VCF-style: chr6-129059867-T-C. GRCh37 (hg19) VCF-style: chr6-129381012-T-C.
Other names: c.367T>C, p.Tyr123His (NM_001079823.2); short protein forms Y123H.
Identifiers: ClinVar variation 1932304 (VCV001932304.5), dbSNP rs1348142560, ClinGen allele CA365828960.